The following is an entry in ClinVar:

NM_004341.5(CAD):c.4424G>A (p.Arg1475Gln)

Gene: CAD (carbamoyl-phosphate synthetase 2, aspartate transcarbamylase, and dihydroorotase; plus strand). Cytogenetic location: 2p23.3.
Variant type: single nucleotide variant.
Coding change: c.4424G>A on transcript NM_004341.5 (MANE Select); coding-DNA position 4424, G replaced by A.
Protein change: p.Arg1475Gln; replaces arginine 1475 with glutamine.
Molecular consequence: missense variant.
Genome position (GRCh38, 1-based): chr2:27,237,406, G>A. VCF-style: chr2-27237406-G-A. GRCh37 (hg19) VCF-style: chr2-27460274-G-A.
Other names: c.4235G>A, p.Arg1412Gln (NM_001306079.2); short protein forms R1412Q, R1475Q.
Identifiers: ClinVar variation 1515573 (VCV001515573.6), dbSNP rs745517212, ClinGen allele CA1573527.

ClinVar aggregate classification (germline): Conflicting classifications of pathogenicity. Review status: criteria provided, conflicting classifications (1 of 4 stars). 2 submissions from 2 submitters: Likely pathogenic (1); Uncertain significance (1). Last evaluated 2026-01-12.

Conditions:
Infantile epileptic dyskinetic encephalopathy. Identifiers: Orphanet 364063, MedGen C4552072, MONDO:0018226.

Allele frequency attached by ClinVar (database versions not stated): gnomAD 0.00001; gnomAD exomes 0.00001 and 0.00006; TOPMed 0.00004; ExAC 0.00006.
gnomAD v4.1: 17 of 1,613,988 alleles (0.0011%); highest among the groups gnomAD compares: East Asian, 0.018%; no homozygotes.

Submissions (2):

Labcorp Genetics (formerly Invitae), Labcorp
Classification: Uncertain significance. Last evaluated: 2026-01-12. Review status: criteria provided, single submitter. Criteria: Invitae Variant Classification Sherloc (09022015). Collection method: clinical testing. Allele origin: germline.
Comment: This sequence change replaces arginine, which is basic and polar, with glutamine, which is neutral and polar, at codon 1475 of the CAD protein (p.Arg1475Gln). This variant is present in population databases (rs745517212, gnomAD 0.06%). This missense change has been observed in individual(s) with clinical features of developmental and epileptic encephalopathy (PMID: 37540500). ClinVar contains an entry for this variant (Variation ID: 1515573). An algorithm developed to predict the effect of missense changes on protein structure and function (PolyPhen-2) suggests that this variant is likely to be tolerated. Experimental studies have shown that this missense change affects CAD function (PMID: 37540500). Algorithms developed to predict the effect of sequence changes on RNA splicing suggest that this variant may create or strengthen a splice site. In summary, the available evidence is currently insufficient to determine the role of this variant in disease. Therefore, it has been classified as a Variant of Uncertain Significance.

Women's Health and Genetics/Laboratory Corporation of America, LabCorp
Classification: Likely pathogenic for Infantile epileptic dyskinetic encephalopathy. Last evaluated: 2025-01-06. Review status: criteria provided, single submitter. Criteria: LabCorp Variant Classification Summary - May 2015. Collection method: clinical testing. Allele origin: germline.
Comment: Variant summary: CAD c.4424G>A (p.Arg1475Gln) results in a conservative amino acid change in the encoded protein sequence. Three of five in-silico tools predict a benign effect of the variant on protein function. The variant allele was found at a frequency of 5.6e-05 in 251428 control chromosomes. This frequency is not significantly higher than estimated for a pathogenic variant in CAD causing Early Infantile Epileptic Encephalopathy, 50 (5.6e-05 vs 0.0011), allowing no conclusion about variant significance. c.4424G>A has been reported in the literature in individuals affected with CAD deficiency (example: delCao-Ochoa_2023) . At least one publication reports experimental evidence evaluating an impact on protein function. The most pronounced variant effect results in <10% of normal activity (example: delCao-Ochoa_2023). ClinVar contains an entry for this variant (Variation ID: 1515573). The following publication has been ascertained in the context of this evaluation (PMID: 37540500). Based on the evidence outlined above, the variant was classified as likely pathogenic.

Literature cited by the submitters: PubMed 37540500 (cited by Labcorp Genetics (formerly Invitae), Labcorp and Women's Health and Genetics/Laboratory Corporation of America, LabCorp).